The following is an entry in ClinVar:

ClinVar aggregate classification (germline): Uncertain significance. Review status: criteria provided, multiple submitters, no conflicts (2 of 4 stars). 2 submissions from 2 submitters: Uncertain significance (2). Last evaluated 2024-10-15.

Conditions:
Inborn genetic diseases. Identifiers: MedGen C0950123, MeSH D030342.

Allele frequency attached by ClinVar (database versions not stated): gnomAD 0.00002; gnomAD exomes 0.00004 and 0.00010; TOPMed 0.00011; ExAC 0.00012.
gnomAD v4.1: 25 of 1,613,072 alleles (0.0015%); highest among the groups gnomAD compares: Admixed American, 0.042%; no homozygotes.

Submissions (2):

Labcorp Genetics (formerly Invitae), Labcorp
Classification: Uncertain significance. Last evaluated: 2024-10-15. Review status: criteria provided, single submitter. Criteria: Invitae Variant Classification Sherloc (09022015). Collection method: clinical testing. Allele origin: germline.
Comment: This sequence change replaces cysteine, which is neutral and slightly polar, with glycine, which is neutral and non-polar, at codon 263 of the PDE2A protein (p.Cys263Gly). This variant is present in population databases (rs765765634, gnomAD 0.07%). This variant has not been reported in the literature in individuals affected with PDE2A-related conditions. ClinVar contains an entry for this variant (Variation ID: 1429229). An algorithm developed to predict the effect of missense changes on protein structure and function (PolyPhen-2) suggests that this variant is likely to be disruptive. In summary, the available evidence is currently insufficient to determine the role of this variant in disease. Therefore, it has been classified as a Variant of Uncertain Significance.

Ambry Genetics
Classification: Uncertain significance for Inborn genetic diseases. Last evaluated: 2024-01-04. Review status: criteria provided, single submitter. Criteria: Ambry Variant Classification Scheme 2023. Collection method: clinical testing. Allele origin: germline.

NM_002599.5(PDE2A):c.787T>G (p.Cys263Gly)

Gene: PDE2A (phosphodiesterase 2A; minus strand). Cytogenetic location: 11q13.4.
Variant type: single nucleotide variant.
Coding change: c.787T>G on transcript NM_002599.5 (MANE Select); coding-DNA position 787, T replaced by G.
Protein change: p.Cys263Gly; replaces cysteine 263 with glycine.
Molecular consequence: missense variant.
Genome position (GRCh38, 1-based): chr11:72,589,951, A>C on the plus strand (T>G on the coding strand, the complement: PDE2A is on the minus strand). VCF-style: chr11-72589951-A-C. GRCh37 (hg19) VCF-style: chr11-72300995-A-C.
Other names: c.766T>G, p.Cys256Gly (NM_001143839.4); c.760T>G, p.Cys254Gly (NM_001146209.3); c.724T>G, p.Cys242Gly (NM_001243784.2); c.787T>G (NM_002599.4); short protein forms C254G, C263G, C256G, C242G.
Identifiers: ClinVar variation 1429229 (VCV001429229.6), dbSNP rs765765634, ClinGen allele CA6172430.